The following is an entry in ClinVar:

ClinVar aggregate classification (germline): Conflicting classifications of pathogenicity. Review status: criteria provided, conflicting classifications (1 of 4 stars). 12 submissions from 12 submitters: Uncertain significance (4); Benign (1); Likely benign (7). Last evaluated 2026-04-21.

Conditions:
TTN-related disorder. Also called: TTN-related condition; TTN-related disease; TTN-related disorders.
Cardiovascular phenotype. Identifiers: MedGen CN230736.
Dilated cardiomyopathy 1G (CMD1G). Identifiers: Orphanet 154, MedGen C1858763, MONDO:0011400, OMIM 604145.
Autosomal recessive limb-girdle muscular dystrophy type 2J (LGMDR10). Also called: Limb-girdle muscular dystrophy, type 2J; MUSCULAR DYSTROPHY, LIMB-GIRDLE, AUTOSOMAL RECESSIVE 10. Identifiers: Orphanet 140922, MedGen C1837342, MONDO:0012127, OMIM 608807.
Cardiomyopathy (CMYO). Also called: Cardiomyopathies. Identifiers: Orphanet 167848, MedGen C0878544, MONDO:0004994, HP:0001638. Inheritance: Various modes of inheritance.

Allele frequency attached by ClinVar (database versions not stated): gnomAD exomes 0.00011 and 0.00032; gnomAD 0.00013 and 0.00016; ExAC 0.00022; 1000 Genomes Project 30x 0.00031; TOPMed 0.00031.

Submissions (12):

PreventionGenetics, part of Exact Sciences
Classification: Uncertain significance for TTN-related condition. Last evaluated: 2026-04-21. Review status: criteria provided, single submitter. Criteria: ACMG Guidelines, 2015. Collection method: clinical testing. Allele origin: germline.
Comment: The TTN c.54740T>C variant is predicted to result in the amino acid substitution p.Met18247Thr. This variant has been reported in a cohort of individuals with hypertrophic cardiomyopathy (described as p.Met15679Thr, Martínez-Barrios et al. 2022. PubMed ID: 35207729). This variant is reported in 0.12% of alleles in individuals of Latino descent in gnomAD. Although we suspect that this variant may be benign, at this time, the clinical significance of this variant is uncertain due to the absence of conclusive functional and genetic evidence.

Labcorp Genetics (formerly Invitae), Labcorp
Classification: Likely benign for Dilated cardiomyopathy 1G; Autosomal recessive limb-girdle muscular dystrophy type 2J. Last evaluated: 2026-01-24. Review status: criteria provided, single submitter. Criteria: Invitae Variant Classification Sherloc (09022015). Collection method: clinical testing. Allele origin: germline.

Women's Health and Genetics/Laboratory Corporation of America, LabCorp
Classification: Likely benign. Last evaluated: 2025-06-13. Review status: criteria provided, single submitter. Criteria: LabCorp Variant Classification Summary - May 2015. Collection method: clinical testing. Allele origin: germline.
Comment: Variant summary: TTN c.47036T>C (p.Met15679Thr) results in a non-conservative amino acid change located in the A-band region of the encoded protein sequence. Algorithms developed to predict the effect of missense changes on protein structure and function are either unavailable or do not agree on the potential impact of this missense change. The variant allele was found at a frequency of 0.00032 in 248418 control chromosomes, predominantly at a frequency of 0.0013 within the Latino subpopulation in the gnomAD database. The observed variant frequency within Latino control individuals in the gnomAD database is approximately 3.3-fold of the estimated maximal expected allele frequency for a pathogenic variant in TTN causing Dilated Cardiomyopathy phenotype (0.00039). To our knowledge, no occurrence of c.47036T>C in individuals affected with Dilated Cardiomyopathy and no experimental evidence demonstrating its impact on protein function have been reported. ClinVar contains an entry for this variant (Variation ID: 191943). Based on the evidence outlined above, the variant was classified as likely benign.

Molecular Diagnostic Laboratory for Inherited Cardiovascular Disease, Montreal Heart Institute
Classification: Likely benign. Last evaluated: 2025-04-09. Review status: criteria provided, single submitter. Criteria: ACMG Guidelines, 2015. Collection method: clinical testing. Allele origin: germline. Affected: no.

Blueprint Genetics
Classification: Likely benign. Last evaluated: 2024-10-15. Review status: criteria provided, single submitter. Criteria: ACMG Guidelines, 2015. Collection method: clinical testing. Allele origin: germline.

CHEO Genetics Diagnostic Laboratory, Children's Hospital of Eastern Ontario
Classification: Benign for Cardiomyopathy. Last evaluated: 2022-02-17. Review status: criteria provided, single submitter. Criteria: ACMG Guidelines, 2015. Collection method: clinical testing. Allele origin: germline.

GeneDx
Classification: Likely benign. Last evaluated: 2021-06-17. Review status: criteria provided, single submitter. Criteria: GeneDx Variant Classification Process June 2021. Collection method: clinical testing. Allele origin: germline. Affected: yes.

Mayo Clinic Laboratories, Mayo Clinic
Classification: Uncertain significance. Last evaluated: 2020-12-08. Review status: criteria provided, single submitter. Criteria: ACMG Guidelines, 2015. Collection method: clinical testing. Allele origin: germline. Observed: 2 variant alleles.

Ambry Genetics
Classification: Likely benign for Cardiovascular phenotype. Last evaluated: 2019-07-18. Review status: criteria provided, single submitter. Criteria: Ambry Variant Classification Scheme 2023. Collection method: clinical testing. Allele origin: germline.

Athena Diagnostics
Classification: Likely benign. Last evaluated: 2018-10-04. Review status: criteria provided, single submitter. Criteria: Athena Diagnostics Criteria. Collection method: clinical testing. Allele origin: germline.

Eurofins Ntd Llc (ga)
Classification: Uncertain significance. Last evaluated: 2016-09-16. Review status: criteria provided, single submitter. Criteria: EGL Classification Definitions 2015. Collection method: clinical testing. Allele origin: germline. Observed: 2 variant alleles, 2 heterozygotes.

Biesecker Lab/Clinical Genomics Section, National Institutes of Health
Classification: Uncertain significance. Last evaluated: 2013-06-24. Review status: criteria provided, single submitter. Criteria: Ng et al. (Circ Cardiovasc Genet. 2013). Collection method: research. Allele origin: unknown. Observed: 1 variant allele. Study: ClinSeq.
Comment: The study set was not selected for affection status in relation to any cancer. Pathogenicity categories were based on literature curation. See Pubmed ID:23861362 for details.

Medical sequencing

Literature cited by the submitters: PubMed 23861362 (cited by Ambry Genetics); PubMed 28771489 (cited by Ambry Genetics).

NM_001267550.2(TTN):c.54740T>C (p.Met18247Thr)

Genes: TTN (titin; minus strand), TTN-AS1 (TTN antisense RNA 1; plus strand). Cytogenetic location: 2q31.2.
Variant type: single nucleotide variant.
Coding change: c.54740T>C on transcript NM_001267550.2 (MANE Select); coding-DNA position 54740, T replaced by C.
Protein change: p.Met18247Thr; replaces methionine 18247 with threonine.
Molecular consequence: missense variant.
Genome position (GRCh38, 1-based): chr2:178,603,947, A>G on the plus strand (T>C on the coding strand, the complement: TTN is on the minus strand). VCF-style: chr2-178603947-A-G. GRCh37 (hg19) VCF-style: chr2-179468674-A-G.
Other names: p.M16606T:ATG>ACG; c.49817T>C, p.Met16606Thr (NM_001256850.1); c.27545T>C, p.Met9182Thr (NM_003319.4); c.47036T>C, p.Met15679Thr (NM_133378.4); c.27920T>C, p.Met9307Thr (NM_133432.3); c.28121T>C, p.Met9374Thr (NM_133437.4); short protein forms M15679T, M18247T, M16606T, M9182T, M9307T, M9374T.
Identifiers: ClinVar variation 191943 (VCV000191943.29), dbSNP rs200585270, ClinGen allele CA302473.